The following is an entry in ClinVar:

ClinVar aggregate classification (germline): Uncertain significance (1 of 4 stars; one submission).

Allele frequency attached by ClinVar (database versions not stated): ExAC 0.00001; gnomAD exomes 0.00001; ESP Exome Variant Server 0.00008.

Submission:

GeneDx
Classification: Uncertain significance. Last evaluated: 2022-05-23. Review status: criteria provided, single submitter. Criteria: GeneDx Variant Classification Process June 2021. Collection method: clinical testing. Allele origin: germline. Affected: yes.
Comment: Not observed at significant frequency in large population cohorts (gnomAD); In silico analysis supports that this missense variant does not alter protein structure/function; Has not been previously published as pathogenic or benign to our knowledge

NM_001009944.3(PKD1):c.4276G>A (p.Ala1426Thr)

Gene: PKD1 (polycystin 1, transient receptor potential channel interacting; minus strand). Cytogenetic location: 16p13.3.
Variant type: single nucleotide variant.
Coding change: c.4276G>A on transcript NM_001009944.3 (MANE Select); coding-DNA position 4276, G replaced by A.
Protein change: p.Ala1426Thr; replaces alanine 1426 with threonine.
Molecular consequence: missense variant.
Genome position (GRCh38, 1-based): chr16:2,110,891, C>T on the plus strand (G>A on the coding strand, the complement: PKD1 is on the minus strand). VCF-style: chr16-2110891-C-T. GRCh37 (hg19) VCF-style: chr16-2160892-C-T.
Other names: c.4276G>A, p.Ala1426Thr (NM_000296.4); short protein forms A1426T.
Identifiers: ClinVar variation 1800815 (VCV001800815.1), dbSNP rs371034724, ClinGen allele CA7832429.
Genomic context (GRCh38, chr16:2,110,891, plus strand): 5'-TGACTGTCACAAGATAGGAGCCTGGGTCTCGGTAGATGAACGTCACCTCAGGGCCCCTGG[C>T]ACGGGTGGGGGCGGCTTCCTCGGTGCCAAAGTCCCAGGTGTAGCGGTAGGGGAACGGGGG-3'
Protein context (NP_001009944.3, residues 1416-1436): FGTEEAAPTR[Ala1426Thr]RGPEVTFIYR